The following is an entry in ClinVar:

NM_000303.3(PMM2):c.250A>T (p.Arg84Ter)

Gene: PMM2 (phosphomannomutase 2; plus strand). Cytogenetic location: 16p13.2.
Variant type: single nucleotide variant.
Coding change: c.250A>T on transcript NM_000303.3 (MANE Select); coding-DNA position 250, A replaced by T.
Protein change: p.Arg84Ter; replaces arginine 84 with a stop codon.
Molecular consequence: nonsense.
Genome position (GRCh38, 1-based): chr16:8,804,838, A>T. VCF-style: chr16-8804838-A-T. GRCh37 (hg19) VCF-style: chr16-8898695-A-T.
Other names: short protein forms R84*.
Identifiers: ClinVar variation 1726564 (VCV001726564.2), dbSNP rs2549144508, ClinGen allele CA394696010.

ClinVar aggregate classification (germline): Likely pathogenic (1 of 4 stars; one submission).

Conditions:
PMM2-congenital disorder of glycosylation. Also called: CDG Ia; Congenital disorder of glycosylation, type Ia; JAEKEN SYNDROME; PHOSPHOMANNOMUTASE 2 DEFICIENCY; CARBOHYDRATE-DEFICIENT GLYCOPROTEIN SYNDROME, TYPE Ia; PMM2-CDG. Identifiers: Orphanet 79318, MedGen C0349653, MONDO:0008907, OMIM 212065.

Submission:

Myriad Genetics, Inc.
Classification: Likely pathogenic for PMM2-congenital disorder of glycosylation. Last evaluated: 2022-02-08. Review status: criteria provided, single submitter. Criteria: Myriad Women's Health Autosomal Recessive and X-Linked Classification Criteria (2021). Collection method: clinical testing. Allele origin: unknown.
Comment: NM_000303.2(PMM2):c.250A>T(R84*) is expected to be pathogenic in the context of congenital disorder of glycosylation type Ia. This variant is predicted to lead to an abnormal or absent protein product due to the creation of a premature termination codon in PMM2, a gene where loss-of-function variants are known to be pathogenic. Please note: this variant was assessed in the context of healthy population screening.